The following is an entry in ClinVar:

ClinVar aggregate classification (germline): Uncertain significance (1 of 4 stars; one submission).

Conditions:
Atypical hemolytic-uremic syndrome. Identifiers: Orphanet 2134, MedGen C2931788, MONDO:0016244.

Submission:

Genomenon, Inc
Classification: Uncertain significance for Atypical hemolytic-uremic syndrome. Last evaluated: 2025-10-02. Review status: criteria provided, single submitter. Criteria: Genomenon Sequence Variant Interpretation Standards - Updated. Collection method: curation. Allele origin: germline. Affected: yes.
Comment: CFH p.Tyr475Ser (c.1424A>C) is a missense variant that changes the amino acid at residue 475 from Tyrosine to Serine. This variant has been observed in at least one proband affected with atypical hemolytic-uremic syndrome (PMID:19179328). Functional studies have been reported (PMID:34189567). It is absent or not present at a significant frequency in gnomAD. In conclusion, we classify CFH p.Tyr475Ser (c.1424A>C) as a variant of uncertain significance.

Literature cited by the submitters: PubMed 19179328; PubMed 34189567.

NM_000186.4(CFH):c.1424A>C (p.Tyr475Ser)

Gene: CFH (complement factor H; plus strand). Cytogenetic location: 1q31.3.
Variant type: single nucleotide variant.
Coding change: c.1424A>C on transcript NM_000186.4 (MANE Select); coding-DNA position 1424, A replaced by C.
Protein change: p.Tyr475Ser; replaces tyrosine 475 with serine.
Molecular consequence: missense variant.
Genome position (GRCh38, 1-based): chr1:196,713,822, A>C. VCF-style: chr1-196713822-A-C. GRCh37 (hg19) VCF-style: chr1-196682952-A-C.
Other names: short protein forms Y475S.
Identifiers: ClinVar variation 4291393 (VCV004291393.1).